The following is an entry in ClinVar:

NM_005359.6(SMAD4):c.464G>A (p.Ser155Asn)

Gene: SMAD4 (SMAD family member 4; plus strand). Cytogenetic location: 18q21.2.
Variant type: single nucleotide variant.
Coding change: c.464G>A on transcript NM_005359.6 (MANE Select); coding-DNA position 464, G replaced by A.
Protein change: p.Ser155Asn; replaces serine 155 with asparagine.
Molecular consequence: missense variant.
Genome position (GRCh38, 1-based): chr18:51,054,790, G>A. VCF-style: chr18-51054790-G-A. GRCh37 (hg19) VCF-style: chr18-48581160-G-A.
Other names: short protein forms S155N.
Identifiers: ClinVar variation 484802 (VCV000484802.20), dbSNP rs199790852, ClinGen allele CA8965819.

ClinVar aggregate classification (germline): Uncertain significance. Review status: criteria provided, multiple submitters, no conflicts (2 of 4 stars). 4 submissions from 4 submitters: Uncertain significance (4). Last evaluated 2026-04-11.

Conditions:
Familial thoracic aortic aneurysm and aortic dissection (TAAD). Also called: Thoracic aortic aneurysms and dissections. Identifiers: Orphanet 91387, MedGen C4707243, MONDO:0019625.
Hereditary cancer-predisposing syndrome. Also called: Tumor predisposition; Hereditary neoplastic syndrome; Neoplastic Syndromes, Hereditary; Hereditary Cancer Syndrome. Identifiers: Orphanet 140162, MedGen C0027672, MeSH D009386, MONDO:0015356.
Myhre syndrome (MYHRS). Also called: LARYNGOTRACHEAL STENOSIS, ARTHROPATHY, PROGNATHISM, AND SHORT STATURE; LAPS SYNDROME. Identifiers: Orphanet 2588, MedGen C0796081, MONDO:0007688, OMIM 139210.
Juvenile polyposis/hereditary hemorrhagic telangiectasia syndrome (JPHT). Also called: Juvenile Polyposis Syndrome / Hereditary Hemorrhagic Telangiectasia (JPS/HHT); JP/HHT SYNDROME; JUVENILE POLYPOSIS WITH HEREDITARY HEMORRHAGIC TELANGIECTASIA; POLYPOSIS, GENERALIZED JUVENILE, WITH PULMONARY ARTERIOVENOUS MALFORMATION; TELANGIECTASIA, HEREDITARY HEMORRHAGIC, WITH JUVENILE POLYPOSIS COLI. Identifiers: Orphanet 2929, MedGen C1832942, MONDO:0008278, OMIM 175050.
Familial pancreatic carcinoma. Identifiers: Orphanet 1333, MedGen C2931038, MONDO:0015278, OMIM 260350.
Juvenile polyposis syndrome (JPS). Identifiers: Orphanet 2929, MedGen C0345893, MONDO:0017380, OMIM 174900.

Allele frequency attached by ClinVar (database versions not stated): gnomAD 0.00001; 1000 Genomes Project 0.00020; TOPMed 0.00001; 1000 Genomes Project 30x 0.00016.
gnomAD v4.1: 2 of 1,594,684 alleles (0.00013%); highest among the groups gnomAD compares: African/African-American, 0.0027%; no homozygotes.

Submissions (4):

Ambry Genetics
Classification: Uncertain significance for Hereditary cancer-predisposing syndrome; Familial thoracic aortic aneurysm and aortic dissection. Last evaluated: 2026-04-11. Review status: criteria provided, single submitter. Criteria: Ambry Variant Classification Scheme 2023. Collection method: clinical testing. Allele origin: germline.
Comment: The c.464G>A (p.S155N) alteration is located in exon 5 (coding exon 4) of the SMAD4 gene. This alteration results from a G to A substitution at nucleotide position 464, causing the serine (S) at amino acid position 155 to be replaced by an asparagine (N). Based on data from gnomAD, the A allele has an overall frequency of <0.001% (1/251360) total alleles studied. The highest observed frequency was 0.006% (1/16256) of African alleles. Based on insufficient or conflicting evidence, the clinical significance of this alteration remains unclear.

Labcorp Genetics (formerly Invitae), Labcorp
Classification: Uncertain significance for Juvenile polyposis syndrome. Last evaluated: 2025-11-05. Review status: criteria provided, single submitter. Criteria: Invitae Variant Classification Sherloc (09022015). Collection method: clinical testing. Allele origin: germline.
Comment: This sequence change replaces serine, which is neutral and polar, with asparagine, which is neutral and polar, at codon 155 of the SMAD4 protein (p.Ser155Asn). This variant is present in population databases (rs199790852, gnomAD 0.007%). This variant has not been reported in the literature in individuals affected with SMAD4-related conditions. ClinVar contains an entry for this variant (Variation ID: 484802). Invitae Evidence Modeling of protein sequence and biophysical properties (such as structural, functional, and spatial information, amino acid conservation, physicochemical variation, residue mobility, and thermodynamic stability) indicates that this missense variant is not expected to disrupt SMAD4 protein function with a negative predictive value of 95%. In summary, the available evidence is currently insufficient to determine the role of this variant in disease. Therefore, it has been classified as a Variant of Uncertain Significance.

All of Us Research Program, National Institutes of Health
Classification: Uncertain significance for Juvenile polyposis/hereditary hemorrhagic telangiectasia syndrome. Last evaluated: 2024-03-05. Review status: criteria provided, single submitter. Criteria: ACMG Guidelines, 2015. Collection method: clinical testing. Allele origin: germline. Inheritance: Autosomal dominant inheritance. Observed: 2 variant alleles, 2 heterozygotes.
Comment: This missense variant replaces serine with asparagine at codon 155 of the SMAD4 protein. Computational prediction suggests that this variant may not impact protein structure and function (internally defined REVEL score threshold <= 0.5, PMID: 27666373). To our knowledge, functional studies have not been reported for this variant. This variant has not been reported in individuals affected with SMAD4-related disorders in the literature. This variant has been identified in 1/251360 chromosomes in the general population by the Genome Aggregation Database (gnomAD). The available evidence is insufficient to determine the role of this variant in disease conclusively. Therefore, this variant is classified as a Variant of Uncertain Significance.

This study involves interpretation of variants in research participants for the purpose of population health screening. Participant phenotype was not available at the time of variant classification. Additional details can be found in publication PMID: 35346344, PMCID: PMC8962531

Fulgent Genetics
Classification: Uncertain significance for Myhre syndrome; Juvenile polyposis syndrome; Juvenile polyposis/hereditary hemorrhagic telangiectasia syndrome; Familial pancreatic carcinoma. Last evaluated: 2024-02-02. Review status: criteria provided, single submitter. Criteria: ACMG Guidelines, 2015. Collection method: clinical testing. Allele origin: germline.